The following is an entry in ClinVar:

ClinVar aggregate classification (germline): Pathogenic/Likely pathogenic; other. Review status: criteria provided, multiple submitters, no conflicts (2 of 4 stars). 13 submissions from 13 submitters: Pathogenic (8); Likely pathogenic (1). 3 of the submissions do not count toward it. Last evaluated 2026-08-20.

Conditions:
ABCA4-related disorder. Also called: ABCA4-related condition; ABCA4-related disorders. Identifiers: MedGen CN239167.
Retinal dystrophy. Also called: Inherited retinal dystrophy. Identifiers: Orphanet 71862, MedGen C0854723, MeSH D058499, MONDO:0019118, HP:0000556.
Severe early-childhood-onset retinal dystrophy (STGD1). Also called: MACULAR DYSTROPHY WITH FLECKS, TYPE 1; STGD; Stargardt macular dystrophy; Juvenile onset macular degeneration; Stargardt disease 1. Identifiers: Orphanet 364055, Orphanet 827, MedGen C1855465, MeSH D000080362, MONDO:0009549, OMIM 248200.
Retinal disorder. Also called: Retinopathy; Retinal disorders; Retinopathies; Retinal Diseases. Identifiers: MedGen C0035309, MONDO:0005283, HP:0000488.

Allele frequency attached by ClinVar (database versions not stated): TOPMed below 0.00001; ExAC 0.00001; gnomAD 0.00001; gnomAD exomes 0.00002 and 0.00004.
gnomAD v4.1: 58 of 1,613,976 alleles (0.0036%); highest among the groups gnomAD compares: Non-Finnish European, 0.0044%; no homozygotes.

Submissions (13):

PreventionGenetics, part of Exact Sciences
Classification: Pathogenic for ABCA4-related condition. Last evaluated: 2026-08-20. Review status: criteria provided, single submitter. Criteria: ACMG Guidelines, 2015. Collection method: clinical testing. Allele origin: germline.
Comment: The ABCA4 c.4222T>C variant is predicted to result in the amino acid substitution p.Trp1408Arg. This variant has been reported in individuals with Stargardt disease or ABCA4-related retinal disease and often occurs in cis (on the same allele) as ABCA4 p.Arg1640Trp (see, for example: Lewis et al. 1999. PubMed ID: 9973280; Shroyer et al. 2001. PubMed ID: 11687513; Supplementa1 Table 1, Fenner et al. 2024. PubMed ID: 38309476). In these individuals, the complex [p.Trp1408Arg;p.Arg1640Trp] allele occurred in trans (on the opposite allele) with another pathogenic ABCA4 variant (see, for example: Shroyer et al. 2001. PubMed ID: 11687513; Valverde et al. 2006. PubMed ID: 16917483; Table S1, Del Pozo-Valero et al. 2020. PubMed ID: 32619608). In vitro experimental studies indicate this variant has a mild or moderate impact on protein function when expressed alone; however, the effect is stronger for the complex [p.Trp1408Arg;p.Arg1640Trp] allele (Shroyer et al. 2001. PubMed ID: 11687513). This variant is reported in 0.0029% of alleles in individuals of Latino descent in gnomAD. This variant is interpreted as pathogenic.

Labcorp Genetics (formerly Invitae), Labcorp
Classification: Pathogenic. Last evaluated: 2026-02-01. Review status: criteria provided, single submitter. Criteria: Invitae Variant Classification Sherloc (09022015). Collection method: clinical testing. Allele origin: germline.
Comment: This sequence change replaces tryptophan, which is neutral and slightly polar, with arginine, which is basic and polar, at codon 1408 of the ABCA4 protein (p.Trp1408Arg). This variant is present in population databases (rs61750135, gnomAD 0.004%). This missense change has been observed in individual(s) with ABCA4-related conditions (PMID: 9973280, 28559085, 29925512). In at least one individual the data is consistent with being in trans (on the opposite chromosome) from a pathogenic variant. ClinVar contains an entry for this variant (Variation ID: 99260). Invitae Evidence Modeling of protein sequence and biophysical properties (such as structural, functional, and spatial information, amino acid conservation, physicochemical variation, residue mobility, and thermodynamic stability) indicates that this missense variant is expected to disrupt ABCA4 protein function with a positive predictive value of 95%. Experimental studies have shown that this missense change affects ABCA4 function (PMID: 11017087, 11687513). For these reasons, this variant has been classified as Pathogenic.

CeGaT Center for Human Genetics Tuebingen
Classification: Pathogenic. Last evaluated: 2025-09-01. Review status: criteria provided, single submitter. Criteria: CeGaT Center For Human Genetics Tuebingen Variant Classification Criteria Version 2. Collection method: clinical testing. Allele origin: germline. Affected: yes. Observed: 1 variant allele.
Comment: ABCA4: PM3:Very Strong, PM1, PM2, PM5, PP3, PS3:Supporting

Genetics Laboratory, Great Ormond Street Hospital NHS Foundation Trust, North Thames Genomic Laboratory Hub
Classification: Pathogenic for Retinal disorders. Last evaluated: 2025-08-05. Review status: criteria provided, single submitter. Criteria: ACGS Best Practice Guidelines for Variant Classification in Rare Disease 2024 v1.2. Collection method: clinical testing. Allele origin: germline. Affected: yes.
Comment: PM2_moderate, PP3_supporting, PS3_supporting, PM3_very-strong

Blueprint Genetics
Classification: Pathogenic for ABCA4-related disorders. Last evaluated: 2024-10-28. Review status: criteria provided, single submitter. Criteria: ACMG Guidelines, 2015. Collection method: clinical testing. Allele origin: germline. Affected: yes. Observed: 5 variant alleles.

Victorian Clinical Genetics Services, Murdoch Childrens Research Institute
Classification: Pathogenic for Severe early-childhood-onset retinal dystrophy. Last evaluated: 2022-02-02. Review status: criteria provided, single submitter. Criteria: ACMG Guidelines, 2015. Collection method: clinical testing. Allele origin: germline. Inheritance: Autosomal recessive inheritance. Affected: yes.
Comment: Based on the classification scheme VCGS_Germline_v1.3.4, this variant is classified as Pathogenic. The following criteria are met: 0102 - Loss of function is a known mechanism of disease in this gene and is associated with Stargardt disease 1 (MIM#248200), cone-rod dystrophy 3 (MIM#604116), fundus flavimaculatus (MIM#248200), early-onset severe retinal dystrophy (MIM#248200) and retinitis pigmentosa 19 (MIM#601718). (I) 0106 - This gene is associated with autosomal recessive disease. (I) 0115 - Variants in this gene are known to have variable expressivity (PMID: 31522899). (I) 0200 - Variant is predicted to result in a missense amino acid change from tryptophan to arginine. (I) 0251 - This variant is heterozygous. (I) 0304 - Variant is present in gnomAD (v2) <0.01 for a recessive condition (4 heterozygotes, 0 homozygotes). (SP) 0501 - Missense variant consistently predicted to be damaging by multiple in silico tools or highly conserved with a major amino acid change. (SP) 0604 - Variant is not located in an established domain, motif, hotspot or informative constraint region. (I) 0710 - Other missense variants comparable to the one identified in this case have inconclusive previous evidence for pathogenicity. One variant (p.(Trp1408Leu)), has been reported as a VUS but also observed in several compound heterozygous individuals with STGD (ClinVar, PMID: 10206579, PMID: 25066811). Another variant (p.(Trp2408Cys)) has also been observed in an individual with STGD (PMID: 30903310). (I) 0801 - This variant has strong previous evidence of pathogenicity in unrelated individuals. This variant has been reported multiple times as pathogenic, and is commonly observed in cis with another missense variant (p.(Arg1640Trp)). However, it has also been observed in at least four unrelated families with Stargardt disease (STGD), in the absence of p.(Arg1640Trp) (PMID: 9973280, PMID: 29925512). (SP) 0901 - This variant has strong evidence for segregation with disease. This variant has been observed to segregate in a family with four compound heterozygous siblings with STGD (PMID: 9973280). (SP) 1002 - This variant has moderate functional evidence supporting abnormal protein function. Transfected HEK293 cells resulted in mild-moderate reductions in protein expression and enzyme activity (PMID: 11017087, PMID: 11687513). (SP) 1102 - Strong phenotype match for this individual. (SP) 1208 - Inheritance information for this variant is not currently available in this individual. (I) Legend: (SP) - Supporting pathogenic, (I) - Information, (SB) - Supporting benign

Ocular Genomics Institute, Massachusetts Eye and Ear
Classification: Pathogenic for Severe early-childhood-onset retinal dystrophy. Last evaluated: 2021-04-08. Review status: criteria provided, single submitter. Criteria: ACMG Guidelines, 2015. Collection method: research. Allele origin: germline. Affected: yes.
Comment: Through a review of available evidence we were able to apply the following criteria: PM2, PP3, PS3, PM1, PM3-S. Based on this evidence we have classified this variant as Pathogenic.

GeneDx
Classification: Pathogenic. Last evaluated: 2018-10-04. Review status: criteria provided, single submitter. Criteria: GeneDx Variant Classification (06012015). Collection method: clinical testing. Allele origin: germline. Affected: yes.
Comment: The W1408R pathogenic variant in the ABCA4 gene has been reported previously in autosomal recessive Stargardt disease in affected individuals when in trans with another pathogenic variant (Lewis et al., 1999). The W1408R variant has been reported on the same allele (in cis) with the R1640W variant in families with Stargardt disease, and in a family presenting with both Stargardt disease and retinitis pigmentosa, when in trans with another pathogenic variant (Valverde et al, 2006; Shroyer et al, 2001). Shroyer et al. (2001) showed very little protein from cells transfected with the W1408R and R1640W variants in cis; however, proteins bearing only the W1408R or the R1640W variants appear to have mild or moderate defects in expression or stability. Sun et al. (2000) showed the W1408R variant had reduced basal ATPase activity compared to wild-type. The W1408R variant was not observed in approximately 6,500 individuals of European and African American ancestry in the NHLBI Exome Sequencing Project, indicating it is not a common benign variant in these populations. The W1408R variant is a non-conservative amino acid substitution, which is likely to impact secondary protein structure as these residues differ in polarity, charge, size and/or other properties. This substitution occurs at a position that is conserved across species. We interpret W1408R as a pathogenic variant.

Eurofins Ntd Llc (ga)
Classification: other. Last evaluated: 2017-08-31. Review status: criteria provided, single submitter. Criteria: EGL Classification Definitions 2015. Collection method: clinical testing. Allele origin: germline. Observed: 1 variant allele, 1 heterozygote.

Institute of Human Genetics, Univ. Regensburg, Univ. Regensburg
Classification: Likely pathogenic for Retinal dystrophy. Last evaluated: 2012-01-01. Review status: criteria provided, single submitter. Criteria: ACMG Guidelines, 2015. Collection method: clinical testing. Allele origin: germline. Affected: yes.

Centre for Genomic Medicine, Manchester, Central Manchester University Hospitals
Classification: Pathogenic for Retinal dystrophy. Last evaluated: 2015-01-30. Review status: no assertion criteria provided. Collection method: clinical testing. Allele origin: germline. Affected: yes. Not counted in ClinVar's aggregate classification.

Ophthalmo-Genetics Lab, Instituto de Oftalmologia Conde de Valenciana
Classification: Pathogenic for Severe early-childhood-onset retinal dystrophy. Review status: no assertion criteria provided. Collection method: research. Allele origin: germline. Inheritance: Autosomal recessive inheritance. Affected: yes. Not counted in ClinVar's aggregate classification.

Retina International
No classification provided. Review status: no classification provided. Collection method: not provided. Allele origin: not provided. Not counted in ClinVar's aggregate classification.

Literature cited by the submitters: PubMed 9973280 (cited by 4 submitters); PubMed 28559085 (cited by Labcorp Genetics (formerly Invitae), Labcorp and Ocular Genomics Institute, Massachusetts Eye and Ear); PubMed 29925512 (cited by 4 submitters); PubMed 11017087 (cited by 4 submitters); PubMed 11687513 (cited by 4 submitters); PubMed 10206579 (cited by Victorian Clinical Genetics Services, Murdoch Childrens Research Institute); PubMed 25066811 (cited by Victorian Clinical Genetics Services, Murdoch Childrens Research Institute); PubMed 30903310 (cited by Victorian Clinical Genetics Services, Murdoch Childrens Research Institute); PubMed 31522899 (cited by Victorian Clinical Genetics Services, Murdoch Childrens Research Institute); PubMed 28118664 (cited by Ocular Genomics Institute, Massachusetts Eye and Ear and Institute of Human Genetics, Univ. Regensburg, Univ. Regensburg); PubMed 26872967 (cited by Ocular Genomics Institute, Massachusetts Eye and Ear and Centre for Genomic Medicine, Manchester, Central Manchester University Hospitals); PubMed 25082885 (cited by Ocular Genomics Institute, Massachusetts Eye and Ear and Institute of Human Genetics, Univ. Regensburg, Univ. Regensburg); PubMed 30718709 (cited by Institute of Human Genetics, Univ. Regensburg, Univ. Regensburg); PubMed 32619608 (cited by Institute of Human Genetics, Univ. Regensburg, Univ. Regensburg); PubMed 31964843 (cited by Institute of Human Genetics, Univ. Regensburg, Univ. Regensburg); PubMed 32307445 (cited by Institute of Human Genetics, Univ. Regensburg, Univ. Regensburg); PubMed 33706644 (cited by Institute of Human Genetics, Univ. Regensburg, Univ. Regensburg); PubMed 25922843 (cited by Ophthalmo-Genetics Lab, Instituto de Oftalmologia Conde de Valenciana).

NM_000350.3(ABCA4):c.4222T>C (p.Trp1408Arg)

Gene: ABCA4 (ATP binding cassette subfamily A member 4; minus strand). Cytogenetic location: 1p22.1.
Variant type: single nucleotide variant.
Coding change: c.4222T>C on transcript NM_000350.3 (MANE Select); coding-DNA position 4222, T replaced by C.
Protein change: p.Trp1408Arg; replaces tryptophan 1408 with arginine.
Molecular consequence: missense variant.
Genome position (GRCh38, 1-based): chr1:94,031,027, A>G on the plus strand (T>C on the coding strand, the complement: ABCA4 is on the minus strand). VCF-style: chr1-94031027-A-G. GRCh37 (hg19) VCF-style: chr1-94496583-A-G.
Other names: c.4000T>C, p.Trp1334Arg (NM_001425324.1); short protein forms W1408R, W1334R.
Identifiers: ClinVar variation 99260 (VCV000099260.32), dbSNP rs61750135, ClinGen allele CA227166.